The following is an entry in ClinVar:

NM_000334.4(SCN4A):c.2266C>T (p.Arg756Cys)

Genes: GH-LCR (growth hormone locus control region; plus strand), SCN4A (sodium voltage-gated channel alpha subunit 4; minus strand). Cytogenetic location: 17q23.3.
Variant type: single nucleotide variant.
Coding change: c.2266C>T on transcript NM_000334.4 (MANE Select); coding-DNA position 2266, C replaced by T.
Protein change: p.Arg756Cys; replaces arginine 756 with cysteine.
Molecular consequence: missense variant.
Genome position (GRCh38, 1-based): chr17:63,957,272, G>A on the plus strand (C>T on the coding strand, the complement: SCN4A is on the minus strand). VCF-style: chr17-63957272-G-A. GRCh37 (hg19) VCF-style: chr17-62034632-G-A.
Other names: short protein forms R756C.
Identifiers: ClinVar variation 4990387 (VCV004990387.1).
Genomic context (GRCh38, chr17:63,957,272, plus strand): 5'-CTTGGCCGGCCACCTCCATGCAGTCCCACATGGTCTCGATCCACTCCCCGCACAGGATGC[G>A]GAAGACGATGAGGAAGGAGTGGAAGAAATCATGCATGTGCCAGCGCGGCAGGTTGCAGTC-3'
Protein context (NP_000325.4, residues 746-766): DFFHSFLIVF[Arg756Cys]ILCGEWIETM

ClinVar aggregate classification (germline): Uncertain significance (1 of 4 stars; one submission).

Conditions:
SCN4A-related disorder. Also called: SCN4A-related disorders.

gnomAD v4.1: 5 of 1,614,112 alleles (0.00031%); highest among the groups gnomAD compares: Admixed American, 0.0067%; no homozygotes.

Submission:

PreventionGenetics, part of Exact Sciences
Classification: Uncertain significance for SCN4A-related condition. Last evaluated: 2025-03-18. Review status: criteria provided, single submitter. Criteria: ACMG Guidelines, 2015. Collection method: clinical testing. Allele origin: germline.
Comment: The SCN4A c.2266C>T variant is predicted to result in the amino acid substitution p.Arg756Cys. This variant was reported in the compound state a individual with fetal akinesia deformation sequence (Ravenscroft et al. 2021. PubMed ID: 33060286). This variant is reported in 0.0029% of alleles in individuals of Latino descent in gnomAD. At this time, the clinical significance of this variant is uncertain due to the absence of conclusive functional and genetic evidence.